The following is an entry in ClinVar:

NM_015338.6(ASXL1):c.2985C>G (p.His995Gln)

Gene: ASXL1 (ASXL transcriptional regulator 1; plus strand). Cytogenetic location: 20q11.21.
Variant type: single nucleotide variant.
Coding change: c.2985C>G on transcript NM_015338.6 (MANE Select); coding-DNA position 2985, C replaced by G.
Protein change: p.His995Gln; replaces histidine 995 with glutamine.
Molecular consequence: missense variant.
Genome position (GRCh38, 1-based): chr20:32,435,697, C>G. VCF-style: chr20-32435697-C-G. GRCh37 (hg19) VCF-style: chr20-31023500-C-G.
Other names: c.2802C>G, p.His934Gln (NM_001363734.1); short protein forms H995Q, H934Q.
Identifiers: ClinVar variation 4158101 (VCV004158101.1).

ClinVar aggregate classification (germline): Uncertain significance (1 of 4 stars; one submission).

Conditions:
Inborn genetic diseases. Identifiers: MedGen C0950123, MeSH D030342.

Submission:

Ambry Genetics
Classification: Uncertain significance for Inborn genetic diseases. Last evaluated: 2025-07-07. Review status: criteria provided, single submitter. Criteria: Ambry Variant Classification Scheme 2023. Collection method: clinical testing. Allele origin: germline.
Comment: The p.H995Q variant (also known as c.2985C>G), located in coding exon 13 of the ASXL1 gene, results from a C to G substitution at nucleotide position 2985. The histidine at codon 995 is replaced by glutamine, an amino acid with highly similar properties. This amino acid position is conserved. In addition, this alteration is predicted to be tolerated by in silico analysis. Based on the available evidence, the clinical significance of this variant remains unclear.